The following is an entry in ClinVar:

NM_006904.7(PRKDC):c.1184T>A (p.Met395Lys)

Gene: PRKDC (protein kinase, DNA-activated, catalytic subunit; minus strand). Cytogenetic location: 8q11.21.
Variant type: single nucleotide variant.
Coding change: c.1184T>A on transcript NM_006904.7 (MANE Select); coding-DNA position 1184, T replaced by A.
Protein change: p.Met395Lys; replaces methionine 395 with lysine.
Molecular consequence: missense variant.
Genome position (GRCh38, 1-based): chr8:47,936,447, A>T on the plus strand (T>A on the coding strand, the complement: PRKDC is on the minus strand). VCF-style: chr8-47936447-A-T. GRCh37 (hg19) VCF-style: chr8-48849007-A-T.
Other names: c.1184T>A, p.Met395Lys (NM_001081640.2); short protein forms M395K.
Identifiers: ClinVar variation 3225728 (VCV003225728.1), dbSNP rs2551879736, ClinGen allele CA371166243.

ClinVar aggregate classification (germline): Uncertain significance (1 of 4 stars; one submission).

Submission:

Ambry Genetics
Classification: Uncertain significance. Last evaluated: 2024-02-06. Review status: criteria provided, single submitter. Criteria: Ambry Variant Classification Scheme 2023. Collection method: clinical testing. Allele origin: germline.
Comment: The p.M395K variant (also known as c.1184T>A), located in coding exon 12 of the PRKDC gene, results from a T to A substitution at nucleotide position 1184. The methionine at codon 395 is replaced by lysine, an amino acid with similar properties. This amino acid position is conserved. In addition, the in silico prediction for this alteration is inconclusive. Based on the available evidence, the clinical significance of this alteration remains unclear.